The following is an entry in ClinVar:

ClinVar aggregate classification (germline): Benign. Review status: criteria provided, single submitter (1 of 4 stars). 2 submissions from 2 submitters: Benign (1). 1 of the submissions does not count toward it. Last evaluated 2018-02-02.

Conditions:
TENM4-related disorder. Also called: TENM4-related condition.

Allele frequency attached by ClinVar (database versions not stated): ExAC 0.00033; TOPMed 0.00056; gnomAD 0.00064; 1000 Genomes Project 0.00160; 1000 Genomes Project 30x 0.00172.
gnomAD v4.1: 241 of 1,491,954 alleles (0.016%); highest among the groups gnomAD compares: East Asian, 0.57%; 2 homozygotes.

Submissions (2):

Labcorp Genetics (formerly Invitae), Labcorp
Classification: Benign. Last evaluated: 2018-02-02. Review status: criteria provided, single submitter. Criteria: Invitae Variant Classification Sherloc (09022015). Collection method: clinical testing. Allele origin: germline.

PreventionGenetics, part of Exact Sciences
Classification: Likely benign for TENM4-related condition. Last evaluated: 2019-04-01. Review status: no assertion criteria provided. Collection method: clinical testing. Allele origin: germline. Not counted in ClinVar's aggregate classification.
Comment: This variant is classified as likely benign based on ACMG/AMP sequence variant interpretation guidelines (Richards et al. 2015 PMID: 25741868, with internal and published modifications).

NM_001098816.3(TENM4):c.738C>T (p.Pro246=)

Gene: TENM4 (teneurin transmembrane protein 4; minus strand). Cytogenetic location: 11q14.1.
Variant type: single nucleotide variant.
Coding change: c.738C>T on transcript NM_001098816.3 (MANE Select); coding-DNA position 738, C replaced by T.
Protein change: p.Pro246=; no amino-acid change (proline 246 retained).
Molecular consequence: synonymous variant.
Genome position (GRCh38, 1-based): chr11:78,903,279, G>A on the plus strand (C>T on the coding strand, the complement: TENM4 is on the minus strand). VCF-style: chr11-78903279-G-A. GRCh37 (hg19) VCF-style: chr11-78614324-G-A.
Identifiers: ClinVar variation 719080 (VCV000719080.5), dbSNP rs189404738, ClinGen allele CA6207641.